The following is an entry in ClinVar:

ClinVar aggregate classification (germline): Uncertain significance (1 of 4 stars; one submission).

Submission:

Ambry Genetics
Classification: Uncertain significance. Last evaluated: 2025-12-03. Review status: criteria provided, single submitter. Criteria: Ambry Variant Classification Scheme 2023. Collection method: clinical testing. Allele origin: germline.
Comment: The p.L360S variant (also known as c.1079T>C), located in coding exon 1 of the TET2 gene, results from a T to C substitution at nucleotide position 1079. The leucine at codon 360 is replaced by serine, an amino acid with dissimilar properties. This amino acid position is conserved. In addition, this alteration is predicted to be tolerated by in silico analysis. Based on the available evidence, the clinical significance of this variant remains unclear.

NM_001127208.3(TET2):c.1079T>C (p.Leu360Ser)

Genes: TET2 (tet methylcytosine dioxygenase 2; plus strand), TET2-AS1 (TET2 antisense RNA 1; minus strand). Cytogenetic location: 4q24.
Variant type: single nucleotide variant.
Coding change: c.1079T>C on transcript NM_001127208.3 (MANE Select); coding-DNA position 1079, T replaced by C.
Protein change: p.Leu360Ser; replaces leucine 360 with serine.
Molecular consequence: missense variant.
Genome position (GRCh38, 1-based): chr4:105,235,021, T>C. VCF-style: chr4-105235021-T-C. GRCh37 (hg19) VCF-style: chr4-106156178-T-C.
Other names: c.1079T>C, p.Leu360Ser (NM_017628.4); short protein forms L360S.
Identifiers: ClinVar variation 4594231 (VCV004594231.1).
Genomic context (GRCh38, chr4:105,235,021, plus strand): 5'-TCCAGGGAACCACAAAGCTAGCGTCTGGTGAAGAATTCTGTTCAGGTTCCAGCAGCAATT[T>C]GCAAGCTCCTGGTGGCAGCTCTGAACGGTATTTAAAACAAAATGAAATGAATGGTGCTTA-3'
Protein context (NP_001120680.1, residues 350-370): EEFCSGSSSN[Leu360Ser]QAPGGSSERY